The following is an entry in ClinVar:

ClinVar aggregate classification (germline): Benign/Likely benign. Review status: criteria provided, multiple submitters, no conflicts (2 of 4 stars). 4 submissions from 4 submitters: Benign (1); Likely benign (2). 1 of the submissions does not count toward it. Last evaluated 2025-03-28.

Conditions:
STK11-related disorder. Also called: STK11-related condition.
Peutz-Jeghers syndrome (PJS). Also called: Peutz-Jeghers polyposis; Periorificial lentiginosis syndrome; POLYPOSIS, HAMARTOMATOUS INTESTINAL; POLYPS-AND-SPOTS SYNDROME. Identifiers: Orphanet 2869, MedGen C0031269, MeSH D010580, MONDO:0008280, OMIM 175200.
Hereditary cancer-predisposing syndrome. Also called: Hereditary Cancer Syndrome; Neoplastic Syndromes, Hereditary; Hereditary neoplastic syndrome; Tumor predisposition. Identifiers: Orphanet 140162, MedGen C0027672, MeSH D009386, MONDO:0015356.

Submissions (4):

Myriad Genetics, Inc.
Classification: Benign for Peutz-Jeghers syndrome. Last evaluated: 2025-03-28. Review status: criteria provided, single submitter. Criteria: Myriad Autosomal Dominant, Autosomal Recessive and X-Linked Classification Criteria (2023). Collection method: clinical testing. Allele origin: unknown.
Comment: This variant is considered benign. This variant is a silent/synonymous amino acid change and it is not expected to impact splicing.

Labcorp Genetics (formerly Invitae), Labcorp
Classification: Likely benign for Peutz-Jeghers syndrome. Last evaluated: 2020-02-07. Review status: criteria provided, single submitter. Criteria: Invitae Variant Classification Sherloc (09022015). Collection method: clinical testing. Allele origin: germline.

Ambry Genetics
Classification: Likely benign for Hereditary cancer-predisposing syndrome. Last evaluated: 2019-09-03. Review status: criteria provided, single submitter. Criteria: Ambry Variant Classification Scheme 2023. Collection method: clinical testing. Allele origin: germline.

PreventionGenetics, part of Exact Sciences
Classification: Likely benign for STK11-related condition. Last evaluated: 2020-10-05. Review status: no assertion criteria provided. Collection method: clinical testing. Allele origin: germline. Not counted in ClinVar's aggregate classification.
Comment: This variant is classified as likely benign based on ACMG/AMP sequence variant interpretation guidelines (Richards et al. 2015 PMID: 25741868, with internal and published modifications).

NM_000455.5(STK11):c.1065C>T (p.Asp355=)

Genes: STK11 (serine/threonine kinase 11; plus strand), LOC130062899 (ATAC-STARR-seq lymphoblastoid active region 13597; plus strand). Cytogenetic location: 19p13.3.
Variant type: single nucleotide variant.
Coding change: c.1065C>T on transcript NM_000455.5 (MANE Select); coding-DNA position 1065, C replaced by T.
Protein change: p.Asp355=; no amino-acid change (aspartic acid 355 retained).
Molecular consequence: synonymous variant.
Genome position (GRCh38, 1-based): chr19:1,223,129, C>T. VCF-style: chr19-1223129-C-T. GRCh37 (hg19) VCF-style: chr19-1223128-C-T.
Identifiers: ClinVar variation 818323 (VCV000818323.17), dbSNP rs577581156, ClinGen allele CA304028886.